The following is an entry in ClinVar:

NM_015340.4(LARS2):c.344A>G (p.Gln115Arg)

Gene: LARS2 (leucyl-tRNA synthetase 2, mitochondrial; plus strand). Cytogenetic location: 3p21.31.
Variant type: single nucleotide variant.
Coding change: c.344A>G on transcript NM_015340.4 (MANE Select); coding-DNA position 344, A replaced by G.
Protein change: p.Gln115Arg; replaces glutamine 115 with arginine.
Molecular consequence: missense variant.
Genome position (GRCh38, 1-based): chr3:45,400,354, A>G. VCF-style: chr3-45400354-A-G. GRCh37 (hg19) VCF-style: chr3-45441846-A-G.
Other names: c.344A>G, p.Gln115Arg (NM_001368263.1); short protein forms Q115R.
Identifiers: ClinVar variation 1903970 (VCV001903970.4), dbSNP rs746182533, ClinGen allele CA2349268.

ClinVar aggregate classification (germline): Uncertain significance (1 of 4 stars; one submission).

Allele frequency attached by ClinVar (database versions not stated): TOPMed below 0.00001; ExAC 0.00001; gnomAD exomes 0.00001.
gnomAD v4.1: 3 of 1,610,962 alleles (0.00019%); highest among the groups gnomAD compares: Admixed American, 0.0051%; no homozygotes.

Submission:

Labcorp Genetics (formerly Invitae), Labcorp
Classification: Uncertain significance. Last evaluated: 2023-08-04. Review status: criteria provided, single submitter. Criteria: Invitae Variant Classification Sherloc (09022015). Collection method: clinical testing. Allele origin: germline.
Comment: In summary, the available evidence is currently insufficient to determine the role of this variant in disease. Therefore, it has been classified as a Variant of Uncertain Significance. Advanced modeling of protein sequence and biophysical properties (such as structural, functional, and spatial information, amino acid conservation, physicochemical variation, residue mobility, and thermodynamic stability) performed at Invitae indicates that this missense variant is not expected to disrupt LARS2 protein function. ClinVar contains an entry for this variant (Variation ID: 1903970). This variant has not been reported in the literature in individuals affected with LARS2-related conditions. This variant is present in population databases (rs746182533, gnomAD 0.009%). This sequence change replaces glutamine, which is neutral and polar, with arginine, which is basic and polar, at codon 115 of the LARS2 protein (p.Gln115Arg).